The following is an entry in ClinVar:

ClinVar aggregate classification (germline): Uncertain significance. Review status: criteria provided, multiple submitters, no conflicts (2 of 4 stars). 2 submissions from 2 submitters: Uncertain significance (2). Last evaluated 2025-08-30.

Allele frequency attached by ClinVar (database versions not stated): gnomAD 0.00001; gnomAD exomes 0.00001; TOPMed 0.00002.
gnomAD v4.1: 6 of 1,614,088 alleles (0.00037%); highest among the groups gnomAD compares: Admixed American, 0.0033%; no homozygotes.

Submissions (2):

Labcorp Genetics (formerly Invitae), Labcorp
Classification: Uncertain significance. Last evaluated: 2025-08-30. Review status: criteria provided, single submitter. Criteria: Invitae Variant Classification Sherloc (09022015). Collection method: clinical testing. Allele origin: germline.
Comment: This sequence change replaces arginine, which is basic and polar, with glutamine, which is neutral and polar, at codon 583 of the KCNH1 protein (p.Arg583Gln). This variant is present in population databases (no rsID available, gnomAD 0.003%). This variant has not been reported in the literature in individuals affected with KCNH1-related conditions. ClinVar contains an entry for this variant (Variation ID: 1313312). Invitae Evidence Modeling of protein sequence and biophysical properties (such as structural, functional, and spatial information, amino acid conservation, physicochemical variation, residue mobility, and thermodynamic stability) has been performed for this missense variant. However, the output from this modeling did not meet the statistical confidence thresholds required to predict the impact of this variant on KCNH1 protein function. In summary, the available evidence is currently insufficient to determine the role of this variant in disease. Therefore, it has been classified as a Variant of Uncertain Significance.

GeneDx
Classification: Uncertain significance. Last evaluated: 2020-10-12. Review status: criteria provided, single submitter. Criteria: GeneDx Variant Classification Process June 2021. Collection method: clinical testing. Allele origin: germline. Affected: yes.
Comment: In silico analysis supports that this missense variant has a deleterious effect on protein structure/function; Has not been previously published as pathogenic or benign to our knowledge

NM_172362.3(KCNH1):c.1748G>A (p.Arg583Gln)

Gene: KCNH1 (potassium voltage-gated channel subfamily H member 1; minus strand). Cytogenetic location: 1q32.2.
Variant type: single nucleotide variant.
Coding change: c.1748G>A on transcript NM_172362.3 (MANE Select); coding-DNA position 1748, G replaced by A.
Protein change: p.Arg583Gln; replaces arginine 583 with glutamine.
Molecular consequence: missense variant.
Genome position (GRCh38, 1-based): chr1:210,797,675, C>T on the plus strand (G>A on the coding strand, the complement: KCNH1 is on the minus strand). VCF-style: chr1-210797675-C-T. GRCh37 (hg19) VCF-style: chr1-210971017-C-T.
Other names: c.1667G>A, p.Arg556Gln (NM_002238.4); short protein forms R556Q, R583Q.
Identifiers: ClinVar variation 1313312 (VCV001313312.5), dbSNP rs1013846810, ClinGen allele CA37124112.
Genomic context (GRCh38, chr1:210,797,675, plus strand): 5'-GCACAGTGCACCGTCTGGAACTCCATGGCCAGTGCCCGGAGGCAGCCATCACTGGCCAGC[C>T]GGAAGGCCGGGTGCTCCTTGAACACCTTGCGGTTCAGGTGCACGCAGATGTCGGCTCTCA-3'
Protein context (NP_758872.1, residues 573-593): RKVFKEHPAF[Arg583Gln]LASDGCLRAL